The following is an entry in ClinVar:

ClinVar aggregate classification (germline): Pathogenic (1 of 4 stars; one submission).

Conditions:
Cohen syndrome (COH1). Also called: PEPPER SYNDROME; Cutis verticis gyrata, retinitis pigmentosa, and sensorineural deafness. Identifiers: Orphanet 193, MedGen C0265223, MONDO:0008999, OMIM 216550.

Submission:

Labcorp Genetics (formerly Invitae), Labcorp
Classification: Pathogenic for Cohen syndrome. Last evaluated: 2022-10-17. Review status: criteria provided, single submitter. Criteria: Invitae Variant Classification Sherloc (09022015). Collection method: clinical testing. Allele origin: germline.
Comment: This variant is a gross deletion of the genomic region encompassing exon(s) 23-30 of the VPS13B gene. This deletion is out-of-frame, and is expected to create a premature termination codon and result in an absent or disrupted protein product. Loss-of-function variants in VPS13B are known to be pathogenic (PMID: 15141358, 16648375, 20461111). This variant has not been reported in the literature in individuals affected with VPS13B-related conditions. For these reasons, this variant has been classified as Pathogenic.

Literature cited by the submitters: PubMed 15141358; PubMed 16648375; PubMed 20461111.

NC_000008.10:g.(?_100454619)_(100533248_?)del

Gene: VPS13B (vacuolar protein sorting 13 homolog B; plus strand). Cytogenetic location: 8q22.2.
Variant type: Deletion.
Identifiers: ClinVar variation 1076760 (VCV001076760.5).